The following is an entry in ClinVar:

NM_001039591.3(USP9X):c.1660C>T (p.Arg554Cys)

Gene: USP9X (ubiquitin specific peptidase 9 X-linked; plus strand). Cytogenetic location: Xp11.4.
Variant type: single nucleotide variant.
Coding change: c.1660C>T on transcript NM_001039591.3 (MANE Select); coding-DNA position 1660, C replaced by T.
Protein change: p.Arg554Cys; replaces arginine 554 with cysteine.
Molecular consequence: missense variant.
Genome position (GRCh38, 1-based): chrX:41,150,954, C>T. VCF-style: chrX-41150954-C-T. GRCh37 (hg19) VCF-style: chrX-41010207-C-T.
Other names: c.1660C>T, p.Arg554Cys (NM_001039590.3, NM_001410748.1, NM_001410749.1 and 1 more transcripts); short protein forms R554C.
Identifiers: ClinVar variation 4810018 (VCV004810018.1).

ClinVar aggregate classification (germline): Uncertain significance (1 of 4 stars; one submission).

gnomAD v4.1: 3 of 1,206,556 alleles (0.00025%); highest among the groups gnomAD compares: Non-Finnish European, 0.00034%; no homozygotes.

Submission:

Labcorp Genetics (formerly Invitae), Labcorp
Classification: Uncertain significance. Last evaluated: 2025-05-02. Review status: criteria provided, single submitter. Criteria: Invitae Variant Classification Sherloc (09022015). Collection method: clinical testing. Allele origin: germline.
Comment: This sequence change replaces arginine, which is basic and polar, with cysteine, which is neutral and slightly polar, at codon 554 of the USP9X protein (p.Arg554Cys). This variant is not present in population databases (gnomAD no frequency). This variant has not been reported in the literature in individuals affected with USP9X-related conditions. An algorithm developed to predict the effect of missense changes on protein structure and function (PolyPhen-2) suggests that this variant is likely to be tolerated. In summary, the available evidence is currently insufficient to determine the role of this variant in disease. Therefore, it has been classified as a Variant of Uncertain Significance.